The following is an entry in ClinVar:

Conditions:
Breast-ovarian cancer, familial, susceptibility to, 1 (BROVCA1). Also called: BRCA1 Hereditary Breast and Ovarian Cancer; OVARIAN CANCER, SUSCEPTIBILITY TO. Identifiers: Orphanet 145, MedGen C2676676, MONDO:0011450, OMIM 604370. Disease mechanism: loss of function.

Submission:

Brotman Baty Institute, University of Washington
No classification provided (evidence only). Condition: Breast-ovarian cancer, familial 1. Review status: no classification provided. Collection method: in vitro. Allele origin: not applicable. Functional consequence: functionally_normal.
ClinVar note: "not provided" was previously submitted as the classification for the variant. However, the classification appeared to be based only on an observation of functional data so it was converted to no classification on 2025-07-30.

NM_007294.4(BRCA1):c.5392T>G (p.Phe1798Val)

Gene: BRCA1 (BRCA1 DNA repair associated; minus strand). Cytogenetic location: 17q21.31.
Variant type: single nucleotide variant.
Coding change: c.5392T>G on transcript NM_007294.4 (MANE Select); coding-DNA position 5392, T replaced by G.
Protein change: p.Phe1798Val; replaces phenylalanine 1798 with valine.
Molecular consequence: missense variant. On other transcripts: non-coding transcript variant (1), intron variant (1).
Genome position (GRCh38, 1-based): chr17:43,049,135, A>C on the plus strand (T>G on the coding strand, the complement: BRCA1 is on the minus strand). VCF-style: chr17-43049135-A-C. GRCh37 (hg19) VCF-style: chr17-41201152-A-C.
Other names: c.5179T>G, p.Phe1727Val (NM_001407571.1, NM_001407900.1, NM_001407902.1 and 12 more transcripts); c.5458T>G, p.Phe1820Val (NM_001407581.1, NM_001407582.1); c.5455T>G, p.Phe1819Val (NM_001407583.1, NM_001407585.1, NM_001407587.1 and 1 more transcripts); c.5452T>G, p.Phe1818Val (NM_001407590.1, NM_001407591.1); c.5392T>G, p.Phe1798Val (NM_001407593.1, NM_001407594.1, NM_001407596.1 and 5 more transcripts); c.5389T>G, p.Phe1797Val (NM_001407610.1, NM_001407611.1, NM_001407612.1 and 14 more transcripts); c.5386T>G, p.Phe1796Val (NM_001407627.1, NM_001407628.1, NM_001407629.1 and 13 more transcripts); c.5383T>G, p.Phe1795Val (NM_001407644.1, NM_001407645.1); and 73 more; short protein forms F1798V, F694V, F1751V, F1819V, F1685V, F1687V, F1726V, F1728V.
Identifiers: ClinVar variation 865694 (VCV000865694.3), dbSNP rs2051076501, ClinGen allele CA10590692.